The following is an entry in ClinVar:

NM_001903.5(CTNNA1):c.2630A>G (p.Glu877Gly)

Gene: CTNNA1 (catenin alpha 1; plus strand). Cytogenetic location: 5q31.2.
Variant type: single nucleotide variant.
Coding change: c.2630A>G on transcript NM_001903.5 (MANE Select); coding-DNA position 2630, A replaced by G.
Protein change: p.Glu877Gly; replaces glutamic acid 877 with glycine.
Molecular consequence: missense variant. On other transcripts: 3 prime UTR variant (5).
Genome position (GRCh38, 1-based): chr5:138,933,998, A>G. VCF-style: chr5-138933998-A-G. GRCh37 (hg19) VCF-style: chr5-138269687-A-G.
Other names: c.*175A>G (NM_001290307.3, NM_001324002.1, NM_001324003.1 and 2 more transcripts); c.2321A>G, p.Glu774Gly (NM_001290309.3); c.2261A>G, p.Glu754Gly (NM_001290310.3); c.1520A>G, p.Glu507Gly (NM_001290312.1, NM_001323987.1, NM_001323988.1 and 12 more transcripts); c.2630A>G, p.Glu877Gly (NM_001323982.2, NM_001323983.1, NM_001323984.2); c.2603A>G, p.Glu868Gly (NM_001323985.2); c.2537A>G, p.Glu846Gly (NM_001323986.2); c.1385A>G, p.Glu462Gly (NM_001324001.1); and 3 more; short protein forms E394G, E426G, E462G, E476G, E507G, E754G, E774G, E846G.
Identifiers: ClinVar variation 1003268 (VCV001003268.12), dbSNP rs1766006139, ClinGen allele CA361135645.

ClinVar aggregate classification (germline): Uncertain significance. Review status: criteria provided, multiple submitters, no conflicts (2 of 4 stars). 3 submissions from 3 submitters: Uncertain significance (3). Last evaluated 2024-10-11.

Conditions:
Patterned macular dystrophy 2. Identifiers: Orphanet 99001, MedGen C1837029, MONDO:0012162, OMIM 608970.
Hereditary cancer-predisposing syndrome. Also called: Hereditary neoplastic syndrome; Neoplastic Syndromes, Hereditary; Tumor predisposition; Hereditary Cancer Syndrome. Identifiers: Orphanet 140162, MedGen C0027672, MeSH D009386, MONDO:0015356.

Submissions (3):

Labcorp Genetics (formerly Invitae), Labcorp
Classification: Uncertain significance. Last evaluated: 2024-10-11. Review status: criteria provided, single submitter. Criteria: Invitae Variant Classification Sherloc (09022015). Collection method: clinical testing. Allele origin: germline.
Comment: This sequence change replaces glutamic acid, which is acidic and polar, with glycine, which is neutral and non-polar, at codon 877 of the CTNNA1 protein (p.Glu877Gly). This variant is not present in population databases (gnomAD no frequency). This variant has not been reported in the literature in individuals affected with CTNNA1-related conditions. ClinVar contains an entry for this variant (Variation ID: 1003268). Invitae Evidence Modeling of protein sequence and biophysical properties (such as structural, functional, and spatial information, amino acid conservation, physicochemical variation, residue mobility, and thermodynamic stability) indicates that this missense variant is not expected to disrupt CTNNA1 protein function with a negative predictive value of 80%. In summary, the available evidence is currently insufficient to determine the role of this variant in disease. Therefore, it has been classified as a Variant of Uncertain Significance.

Baylor Genetics
Classification: Uncertain significance for Patterned macular dystrophy 2. Last evaluated: 2023-11-07. Review status: criteria provided, single submitter. Criteria: ACMG Guidelines, 2015. Collection method: clinical testing. Allele origin: unknown.

Ambry Genetics
Classification: Uncertain significance for Hereditary cancer-predisposing syndrome. Last evaluated: 2023-09-25. Review status: criteria provided, single submitter. Criteria: Ambry Variant Classification Scheme 2023. Collection method: clinical testing. Allele origin: germline.
Comment: The p.E877G variant (also known as c.2630A>G), located in coding exon 17 of the CTNNA1 gene, results from an A to G substitution at nucleotide position 2630. The glutamic acid at codon 877 is replaced by glycine, an amino acid with similar properties. This amino acid position is conserved. In addition, this alteration is predicted to be tolerated by in silico analysis. Since supporting evidence is limited at this time, the clinical significance of this alteration remains unclear.